The following is an entry in ClinVar:

NM_177438.3(DICER1):c.2533T>G (p.Leu845Val)

Gene: DICER1 (dicer 1, ribonuclease III; minus strand). Cytogenetic location: 14q32.13.
Variant type: single nucleotide variant.
Coding change: c.2533T>G on transcript NM_177438.3 (MANE Select); coding-DNA position 2533, T replaced by G.
Protein change: p.Leu845Val; replaces leucine 845 with valine.
Molecular consequence: missense variant.
Genome position (GRCh38, 1-based): chr14:95,107,997, A>C on the plus strand (T>G on the coding strand, the complement: DICER1 is on the minus strand). VCF-style: chr14-95107997-A-C. GRCh37 (hg19) VCF-style: chr14-95574334-A-C.
Other names: c.2533T>G, p.Leu845Val (NM_001195573.1, NM_001271282.3, NM_001291628.2 and 1 more transcripts); short protein forms L845V.
Identifiers: ClinVar variation 543566 (VCV000543566.12), dbSNP rs1182299033, ClinGen allele CA390881820.

ClinVar aggregate classification (germline): Uncertain significance. Review status: criteria provided, multiple submitters, no conflicts (2 of 4 stars). 2 submissions from 2 submitters: Uncertain significance (2). Last evaluated 2024-08-28.

Conditions:
Global developmental delay - lung cysts - overgrowth - Wilms tumor syndrome. Also called: GLOBAL DEVELOPMENTAL DELAY, LUNG CYSTS, OVERGROWTH, AND WILMS TUMOR; GLOW Syndrome. Identifiers: Orphanet 404476, MedGen C4748924, MONDO:0018445, OMIM 618272.
DICER1-related tumor predisposition. Also called: DICER1-related pleuropulmonary blastoma cancer predisposition syndrome; DICER1 syndrome. Identifiers: Orphanet 284343, MedGen C3839822, MONDO:0100216.

gnomAD v4.1: 3 of 1,613,508 alleles (0.00019%); highest among the groups gnomAD compares: Non-Finnish European, 0.00025%; no homozygotes.

Submissions (2):

Labcorp Genetics (formerly Invitae), Labcorp
Classification: Uncertain significance for DICER1-related tumor predisposition. Last evaluated: 2024-08-28. Review status: criteria provided, single submitter. Criteria: Invitae Variant Classification Sherloc (09022015). Collection method: clinical testing. Allele origin: germline.
Comment: This sequence change replaces leucine, which is neutral and non-polar, with valine, which is neutral and non-polar, at codon 845 of the DICER1 protein (p.Leu845Val). This variant is not present in population databases (gnomAD no frequency). This variant has not been reported in the literature in individuals affected with DICER1-related conditions. ClinVar contains an entry for this variant (Variation ID: 543566). Invitae Evidence Modeling of protein sequence and biophysical properties (such as structural, functional, and spatial information, amino acid conservation, physicochemical variation, residue mobility, and thermodynamic stability) indicates that this missense variant is not expected to disrupt DICER1 protein function with a negative predictive value of 80%. In summary, the available evidence is currently insufficient to determine the role of this variant in disease. Therefore, it has been classified as a Variant of Uncertain Significance.

Baylor Genetics
Classification: Uncertain significance for Global developmental delay - lung cysts - overgrowth - Wilms tumor syndrome. Last evaluated: 2023-05-16. Review status: criteria provided, single submitter. Criteria: ACMG Guidelines, 2015. Collection method: clinical testing. Allele origin: unknown.